The following is an entry in ClinVar:

NM_001287.6(CLCN7):c.*886C>T

Gene: CLCN7 (chloride voltage-gated channel 7; minus strand). Cytogenetic location: 16p13.3.
Variant type: single nucleotide variant.
Coding change: c.*886C>T on transcript NM_001287.6 (MANE Select); 886 bases downstream of the stop codon, C replaced by T.
Molecular consequence: 3 prime UTR variant.
Genome position (GRCh38, 1-based): chr16:1,445,745, G>A on the plus strand (C>T on the coding strand, the complement: CLCN7 is on the minus strand). VCF-style: chr16-1445745-G-A. GRCh37 (hg19) VCF-style: chr16-1495746-G-A.
Other names: c.*886C>T (NM_001114331.3).
Identifiers: ClinVar variation 317924 (VCV000317924.6), dbSNP rs1050834, ClinGen allele CA10642945.

ClinVar aggregate classification (germline): Benign. Review status: criteria provided, multiple submitters, no conflicts (2 of 4 stars). 2 submissions from 2 submitters: Benign (2). Last evaluated 2018-01-12.

Conditions:
Osteopetrosis. Identifiers: Orphanet 2781, MedGen C0029454, MONDO:0017198, HP:0011002.

Allele frequency attached by ClinVar (database versions not stated): TOPMed 0.85683; gnomAD exomes 0.82845; gnomAD 0.85735 and 0.86157; 1000 Genomes Project 30x 0.90303; 1000 Genomes Project 0.90655.
gnomAD v4.1: 132,460 of 153,794 alleles (86%); highest among the groups gnomAD compares: East Asian, 100%; 57,146 homozygotes.

Submissions (2):

Illumina Laboratory Services, Illumina
Classification: Benign for Osteopetrosis. Last evaluated: 2018-01-12. Review status: criteria provided, single submitter. Criteria: ICSL Variant Classification Criteria 13 December 2019. Collection method: clinical testing. Allele origin: germline.
Comment: This variant was observed in the ICSL laboratory as part of a predisposition screen in an ostensibly healthy population. It had not been previously curated by ICSL or reported in the Human Gene Mutation Database (HGMD: prior to June 1st, 2018), and was therefore a candidate for classification through an automated scoring system. Utilizing variant allele frequency, disease prevalence and penetrance estimates, and inheritance mode, an automated score was calculated to assess if this variant is too frequent to cause the disease. Based on the score and internal cut-off values, a variant classified as benign is not then subjected to further curation. The score for this variant resulted in a classification of benign for this disease.

Breakthrough Genomics
Classification: Benign. Review status: criteria provided, single submitter. Criteria: ACMG Guidelines, 2015. Collection method: not provided. Allele origin: germline. Inheritance: Autosomal recessive inheritance. Affected: yes.